The following is an entry in ClinVar:

ClinVar aggregate classification (somatic clinical impact): Tier II - Potential (1 of 4 stars; one submission).

Conditions:
Meningioma. Also called: Meningioma, somatic. Identifiers: Orphanet 2495, MedGen C0025286, MONDO:0016642, HP:0002858.

Submission:

Institute for Genomic Medicine (IGM) Clinical Laboratory, Nationwide Children's Hospital
Classification: Tier II - Potential for Meningioma. Assertion type: diagnostic. Clinical significance: supports diagnosis. Last evaluated: 2024-05-06. Review status: criteria provided, single submitter. Criteria: AMP/ASCO/CAP Guidelines, 2017. Collection method: clinical testing. Allele origin: somatic. Affected: yes.
Comment: Variant has Tier II (potential) clinical significance as a diagnostic inclusion criterion in meningioma, based on the following evidence: 1) Documented in one or more cancer databases (e.g., St. Jude Pecan, COSMIC, CIViC, OncoKB). 2) Diagnostic significance based on multiple small studies (Evidence Level C; PMIDs: 28177878, 31963394, 35440040, 36167400).

Literature cited by the submitters: PubMed 28177878; PubMed 31963394; PubMed 35440040; PubMed 36167400.

NM_170606.3(KMT2C):c.1081A>G (p.Thr361Ala)

Genes: KMT2C (lysine methyltransferase 2C; minus strand), LOC123956272 (Sharpr-MPRA regulatory region 15588; plus strand). Cytogenetic location: 7q36.1.
Variant type: single nucleotide variant.
Coding change: c.1081A>G on transcript NM_170606.3 (MANE Select); coding-DNA position 1081, A replaced by G.
Protein change: p.Thr361Ala; replaces threonine 361 with alanine.
Molecular consequence: missense variant.
Genome position (GRCh38, 1-based): chr7:152,265,141, T>C on the plus strand (A>G on the coding strand, the complement: KMT2C is on the minus strand). VCF-style: chr7-152265141-T-C. GRCh37 (hg19) VCF-style: chr7-151962226-T-C.
Other names: short protein forms T361A.
Identifiers: ClinVar variation 4530500 (VCV004530500.1).